The following is an entry in ClinVar:

ClinVar aggregate classification (germline): Conflicting classifications of pathogenicity. Review status: criteria provided, conflicting classifications (1 of 4 stars). 11 submissions from 11 submitters: Likely pathogenic (1); Uncertain significance (8); Likely benign (1). 1 of the submissions does not count toward it. Last evaluated 2026-07-27.

Conditions:
Inborn genetic diseases. Identifiers: MedGen C0950123, MeSH D030342.
Charcot-Marie-Tooth disease axonal type 2X. Also called: CHARCOT-MARIE-TOOTH DISEASE, AXONAL, AUTOSOMAL RECESSIVE, TYPE 2X; CHARCOT-MARIE-TOOTH NEUROPATHY, TYPE 2X. Identifiers: Orphanet 466775, MedGen C5569024, MONDO:0014726, OMIM 616668.
Amyotrophic lateral sclerosis type 5 (ALS5). Also called: AMYOTROPHIC LATERAL SCLEROSIS 5, JUVENILE. Identifiers: Orphanet 300605, MedGen C1865864, MONDO:0011196, OMIM 602099.
Hereditary spastic paraplegia 11. Also called: SPASTIC PARAPLEGIA, AUTOSOMAL RECESSIVE, COMPLICATED, WITH THIN CORPUS CALLOSUM; SPASTIC PARAPLEGIA, AUTOSOMAL RECESSIVE, WITH MENTAL IMPAIRMENT AND THIN CORPUS CALLOSUM; Spastic Paraplegia 11; Nakamura Osame syndrome; Autosomal recessive hereditary spastic paraplegia, mental impairment, and thin corpus callosum; Spastic paraplegia, mental retardation and thin corpus callosum. Identifiers: Orphanet 2822, MedGen C1858479, MONDO:0011445, OMIM 604360.
Hereditary spastic paraplegia. Also called: Familial spastic paraparesis. Identifiers: Orphanet 685, MedGen C0037773, MONDO:0019064. Disease mechanism: loss of function.
Intellectual disability. Also called: Intellectual functioning disability; Intellectual developmental disorder; intellectual disabilities. Identifiers: MedGen C3714756, MeSH D008607, MONDO:0001071, HP:0001249.

Allele frequency attached by ClinVar (database versions not stated): gnomAD 0.00009 and 0.00011; gnomAD exomes 0.00013 and 0.00020; TOPMed 0.00014; ExAC 0.00017; ESP Exome Variant Server 0.00031.

Submissions (11):

Genética Médica, Universidad Marista - Mérida
Classification: Likely pathogenic for Charcot-Marie-Tooth disease axonal type 2X. Last evaluated: 2026-07-27. Review status: criteria provided, single submitter. Criteria: ACMG Guidelines, 2015. Collection method: clinical testing. Allele origin: germline. Inheritance: Autosomal recessive inheritance. Affected: yes. Clinical features observed: Peripheral axonal neuropathy (HP:0003477), Distal muscle weakness (HP:0002460), Hypertonia (HP:0001276), Gait disturbance (HP:0001288), Upper limb muscle weakness (HP:0003484), Lower limb muscle weakness (HP:0007340).
Comment: The 7132T>C genetic variant results in the non-conservative amino acid change Phe2378Leu in the C-terminus domain of spatacsin. This domain is highly conserved across metazoans and appears to have a crucial role in membrane tethering complexes and endolysosomal/autolysosomal trafficking (doi: 10.1101/2020.03.08.982389; PMID: 37871017). ClinVar contains an entry for the genetic variant (VCV000216774.18), labeled as “Conflicting classifications of pathogenicity”. Data from large databases of control populations indicate an extremely low frequency of the alelle: 0.0001313 (184/1401320 individuals, GnomAD_exomes); 0.000140 (37/264690, TOPMED); 0.000167 (34/203846, ALFA), and the variant is absent in the homozygous state in all regional and global samples. In a study of Turkish families with slowly progressive motor neuron disease characterized as autosomal recessive spastic paraplegia type 11 [OMIM 604360] this variant was identified in the homozygous state in two affected siblings, but since it was present with a homozygous truncation mutation in the same allele (in cis) pathogenicity could not be confirmed (PMID: 27066562). The professional genomic platform Franklin documents three Community Cases of homozygous affected individuals for the SPG11 7132T>C missense variant. The machine-learning based bioinformatics tool Alpha Missense (that combines evolutionary conservation data and structural context based on AlphaFold2 models, PMID:37733863) calculates a score of 0.872 for the SPG11 Phe2378Leu substitution, indicating a significant likelihood of pathogenicity (supporting: >0.792, PMID: 40084623). Additionally, a hydrophobicity cluster analysis (HCA) finds that Phe2378 is involved in the stabilization of the secondary structure of one of the two globular regions of spactasin (PMID: 17322883). The structural modelling platforms Modeller and DynaMut2 (PMID: 27322406; PMID: 32881105) predict specific interactions of Phe 2378 with other highly conserved residues within an extensive alpha helical structure (doi: 10.1101/2020.03.08.982389). Altogether these computational (in silico) analyses suggest that the variant is likely to have an impact on protein function. Based on the evidence outlined above and the findings in the clinical case the variant is classified as Likely pathogenic. Evidence codes: PM1 + PM2 + PP3 + PP5. PM1: Variant located in a critical functional domain (distal region of the spatacsin_C domain, encoded in NM_025137 exons 39-40) with an abundance of documented pathogenic variation. PM2: Absent from controls (or at extremely low frequency if recessive) in large exome/genome sequencing project databases. PP3: Multiple lines of computational evidence support a deleterious effect on the gene product. PP5: Reputable source recently report variant as pathogenic but the evidence is not available to the laboratory to perform an independent evaluation. This variant was previously documented in a family with autosomal recessive hereditary spastic paraplegia (PMID:27066562) where it was present with an homozygous truncation mutation in the same allele (in cis), so its pathogenicity could not be confirmed.

Ambry Genetics
Classification: Uncertain significance for Inborn genetic diseases. Last evaluated: 2025-12-15. Review status: criteria provided, single submitter. Criteria: Ambry Variant Classification Scheme 2023. Collection method: clinical testing. Allele origin: germline.
Comment: The c.7132T>C (p.F2378L) alteration is located in exon 39 (coding exon 39) of the SPG11 gene. This alteration results from a T to C substitution at nucleotide position 7132, causing the phenylalanine (F) at amino acid position 2378 to be replaced by a leucine (L). The altered amino acid is well conserved throughout evolution: The p.F2378 amino acid is conserved in available primate species. The alteration is predicted deleterious by in silico models: The p.F2378L alteration is predicted to be probably damaging by Polyphen and deleterious by SIFT in silico analyses. Based on insufficient or conflicting evidence, the clinical significance of this alteration remains unclear.

Blueprint Genetics
Classification: Uncertain significance. Last evaluated: 2024-11-25. Review status: criteria provided, single submitter. Criteria: ACMG Guidelines, 2015. Collection method: clinical testing. Allele origin: germline.

Fulgent Genetics
Classification: Uncertain significance for Amyotrophic lateral sclerosis type 5; Hereditary spastic paraplegia 11; Charcot-Marie-Tooth disease axonal type 2X. Last evaluated: 2024-04-02. Review status: criteria provided, single submitter. Criteria: ACMG Guidelines, 2015. Collection method: clinical testing. Allele origin: germline.

Clinical Genetics Laboratory, Skane University Hospital Lund
Classification: Uncertain significance. Last evaluated: 2023-03-27. Review status: criteria provided, single submitter. Criteria: ACMG Guidelines, 2015. Collection method: clinical testing. Allele origin: germline. Affected: yes.

Labcorp Genetics (formerly Invitae), Labcorp
Classification: Uncertain significance for Hereditary spastic paraplegia 11. Last evaluated: 2022-09-06. Review status: criteria provided, single submitter. Criteria: Invitae Variant Classification Sherloc (09022015). Collection method: clinical testing. Allele origin: germline.
Comment: This sequence change replaces phenylalanine, which is neutral and non-polar, with leucine, which is neutral and non-polar, at codon 2378 of the SPG11 protein (p.Phe2378Leu). This variant is present in population databases (rs150571352, gnomAD 0.04%). This missense change has been observed in individual(s) with clinical features of SPG11-related conditions (PMID: 27066562). ClinVar contains an entry for this variant (Variation ID: 216774). Algorithms developed to predict the effect of missense changes on protein structure and function are either unavailable or do not agree on the potential impact of this missense change (SIFT: "Tolerated"; PolyPhen-2: "Possibly Damaging"; Align-GVGD: "Class C0"). In summary, the available evidence is currently insufficient to determine the role of this variant in disease. Therefore, it has been classified as a Variant of Uncertain Significance.

Johns Hopkins Genomics, Johns Hopkins University
Classification: Uncertain significance for Hereditary spastic paraplegia 11. Last evaluated: 2022-07-11. Review status: criteria provided, single submitter. Criteria: ACMG Guidelines, 2015. Collection method: clinical testing. Allele origin: germline.
Comment: This SPG11 variant (rs150571352) is rare (<0.1%) in a large population dataset (gnomAD: 52/282406 total alleles; 0.02%; no homozygotes) and has been reported in ClinVar. Of three bioinformatics tools queried, two predict that the substitution would be damaging while another predicts that it would be tolerated. The phenylalanine residue at this position is strongly evolutionarily conserved across the vertebrate species assessed. Bioinformatic analysis predicts that this missense variant would not affect normal exon 39 splicing, although this has not been confirmed experimentally to our knowledge. This variant was identified in a homozygous state in a single family with juvenile motor neuron disease. However, an additional homozygous nonsense variant in the SPG11 gene (c.2250delT) was also identified in affected family members making the functional impact of c.7132T>C alone unclear. Due to insufficient evidence, we consider the clinical significance of c.7132T>C to be uncertain at this time.

Baylor Genetics
Classification: Uncertain significance for Amyotrophic lateral sclerosis type 5. Last evaluated: 2020-05-05. Review status: criteria provided, single submitter. Criteria: ACMG Guidelines, 2015. Collection method: clinical testing. Allele origin: unknown. Affected: yes.
Comment: This variant was determined to be of uncertain significance according to ACMG Guidelines, 2015 [PMID:25741868].

Genome Diagnostics Laboratory, The Hospital for Sick Children
Classification: Uncertain significance for Hereditary spastic paraplegia. Last evaluated: 2020-01-14. Review status: criteria provided, single submitter. Criteria: ACMG Guidelines, 2015. Collection method: clinical testing. Allele origin: germline. Affected: yes.

GeneDx
Classification: Likely benign. Last evaluated: 2018-02-05. Review status: criteria provided, single submitter. Criteria: GeneDx Variant Classification (06012015). Collection method: clinical testing. Allele origin: germline. Affected: yes.
Comment: This variant is considered likely benign or benign based on one or more of the following criteria: it is a conservative change, it occurs at a poorly conserved position in the protein, it is predicted to be benign by multiple in silico algorithms, and/or has population frequency not consistent with disease.

Centre de Biologie Pathologie Génétique, Centre Hospitalier Universitaire de Lille
Classification: Uncertain significance for Intellectual disability. Last evaluated: 2019-01-01. Review status: no assertion criteria provided. Collection method: clinical testing. Allele origin: unknown. Affected: yes. Not counted in ClinVar's aggregate classification.

Literature cited by the submitters: DOI 10.1101/2020.03.08.982389 (cited by Genética Médica, Universidad Marista - Mérida); PubMed 37871017 (cited by Genética Médica, Universidad Marista - Mérida); PubMed 27066562 (cited by 4 submitters); PubMed 17322883 (cited by Genética Médica, Universidad Marista - Mérida and Johns Hopkins Genomics, Johns Hopkins University); PubMed 25174650 (cited by Ambry Genetics); PubMed 18067136 (cited by Johns Hopkins Genomics, Johns Hopkins University); PubMed 27217339 (cited by Johns Hopkins Genomics, Johns Hopkins University).

NM_025137.4(SPG11):c.7132T>C (p.Phe2378Leu)

Gene: SPG11 (SPG11 vesicle trafficking associated, spatacsin; minus strand). Cytogenetic location: 15q21.1.
Variant type: single nucleotide variant.
Coding change: c.7132T>C on transcript NM_025137.4 (MANE Select); coding-DNA position 7132, T replaced by C.
Protein change: p.Phe2378Leu; replaces phenylalanine 2378 with leucine.
Molecular consequence: missense variant.
Genome position (GRCh38, 1-based): chr15:44,564,566, A>G on the plus strand (T>C on the coding strand, the complement: SPG11 is on the minus strand). VCF-style: chr15-44564566-A-G. GRCh37 (hg19) VCF-style: chr15-44856764-A-G.
Other names: c.6793T>C, p.Phe2265Leu (NM_001160227.2); short protein forms F2378L, F2265L.
Identifiers: ClinVar variation 216774 (VCV000216774.20), dbSNP rs150571352, ClinGen allele CA337736.